The following is an entry in ClinVar:

NM_000051.4(ATM):c.3258C>T (p.Arg1086=)

Gene: ATM (ATM serine/threonine kinase; plus strand). Cytogenetic location: 11q22.3.
Variant type: single nucleotide variant.
Coding change: c.3258C>T on transcript NM_000051.4 (MANE Select); coding-DNA position 3258, C replaced by T.
Protein change: p.Arg1086=; no amino-acid change (arginine 1086 retained).
Molecular consequence: synonymous variant.
Genome position (GRCh38, 1-based): chr11:108,272,826, C>T. VCF-style: chr11-108272826-C-T. GRCh37 (hg19) VCF-style: chr11-108143553-C-T.
Other names: c.3258C>T, p.Arg1086= (NM_001351834.2).
Identifiers: ClinVar variation 925414 (VCV000925414.18), dbSNP rs773277362, ClinGen allele CA6265236.

ClinVar aggregate classification (germline): Benign/Likely benign. Review status: criteria provided, multiple submitters, no conflicts (2 of 4 stars). 5 submissions from 5 submitters: Benign (1); Likely benign (3). 1 of the submissions does not count toward it. Last evaluated 2024-05-14.

Conditions:
Hereditary cancer-predisposing syndrome. Also called: Hereditary Cancer Syndrome; Hereditary neoplastic syndrome; Neoplastic Syndromes, Hereditary; Tumor predisposition. Identifiers: Orphanet 140162, MedGen C0027672, MeSH D009386, MONDO:0015356.
Familial cancer of breast. Also called: hereditary breast carcinoma; BREAST CANCER, FAMILIAL; Hereditary breast cancer. Identifiers: Orphanet 227535, MedGen C0346153, MONDO:0016419, OMIM 114480. Disease mechanism: loss of function.
Ataxia-telangiectasia syndrome (AT). Also called: Ataxia-telangiectasia, complementation group E; LOUIS-BAR SYNDROME; Cerebello-oculocutaneous telangiectasia; Immunodeficiency with ataxia telangiectasia; Ataxia-telangiectasia, complementation group D; AT, COMPLEMENTATION GROUP C. Identifiers: Orphanet 100, MedGen C0004135, MONDO:0008840, OMIM 208900.

Allele frequency attached by ClinVar (database versions not stated): gnomAD exomes below 0.00001; ExAC 0.00001.
gnomAD v4.1: 2 of 1,614,024 alleles (0.00012%); highest among the groups gnomAD compares: Non-Finnish European, 0.00017%; no homozygotes.

Submissions (5):

Myriad Genetics, Inc.
Classification: Benign for Familial cancer of breast. Last evaluated: 2024-05-14. Review status: criteria provided, single submitter. Criteria: Myriad Autosomal Dominant, Autosomal Recessive and X-Linked Classification Criteria (2023). Collection method: clinical testing. Allele origin: unknown.
Comment: This variant is considered benign. This variant is a silent/synonymous amino acid change and it is not expected to impact splicing.

Labcorp Genetics (formerly Invitae), Labcorp
Classification: Likely benign for Ataxia-telangiectasia syndrome. Last evaluated: 2023-11-05. Review status: criteria provided, single submitter. Criteria: Invitae Variant Classification Sherloc (09022015). Collection method: clinical testing. Allele origin: germline.

Ambry Genetics
Classification: Likely benign for Hereditary cancer-predisposing syndrome. Last evaluated: 2023-03-12. Review status: criteria provided, single submitter. Criteria: Ambry Variant Classification Scheme 2023. Collection method: clinical testing. Allele origin: germline.

Color Diagnostics, LLC DBA Color Health
Classification: Likely benign for Hereditary cancer-predisposing syndrome. Last evaluated: 2018-11-01. Review status: criteria provided, single submitter. Criteria: ACMG Guidelines, 2015. Collection method: clinical testing. Allele origin: germline.

Natera, Inc.
Classification: Uncertain significance for Ataxia-telangiectasia. Last evaluated: 2021-04-29. Review status: no assertion criteria provided. Collection method: clinical testing. Allele origin: germline. Not counted in ClinVar's aggregate classification.